The following is an entry in ClinVar:

NM_000465.4(BARD1):c.620A>G (p.Lys207Arg)

Gene: BARD1 (BRCA1 associated RING domain 1; minus strand). Cytogenetic location: 2q35.
Variant type: single nucleotide variant.
Coding change: c.620A>G on transcript NM_000465.4 (MANE Select); coding-DNA position 620, A replaced by G.
Protein change: p.Lys207Arg; replaces lysine 207 with arginine.
Molecular consequence: missense variant. On other transcripts: non-coding transcript variant (2), intron variant (3).
Genome position (GRCh38, 1-based): chr2:214,781,254, T>C on the plus strand (A>G on the coding strand, the complement: BARD1 is on the minus strand). VCF-style: chr2-214781254-T-C. GRCh37 (hg19) VCF-style: chr2-215645978-T-C.
Other names: p.K207R:AAA>AGA; c.563A>G, p.Lys188Arg (NM_001282543.2); c.158+28158A>G (NM_001282548.2); c.215+15807A>G (NM_001282545.2); c.364+11043A>G (NM_001282549.2); short protein forms K207R, K188R.
Identifiers: ClinVar variation 127741 (VCV000127741.41), dbSNP rs34969857, ClinGen allele CA151485.

ClinVar aggregate classification (germline): Benign/Likely benign. Review status: criteria provided, multiple submitters, no conflicts (2 of 4 stars). 19 submissions from 19 submitters: Benign (4); Likely benign (13). 2 of the submissions do not count toward it. Last evaluated 2026-02-02.

Conditions:
Hereditary cancer-predisposing syndrome. Also called: Hereditary neoplastic syndrome; Tumor predisposition; Neoplastic Syndromes, Hereditary; Hereditary Cancer Syndrome. Identifiers: Orphanet 140162, MedGen C0027672, MeSH D009386, MONDO:0015356.
Breast and/or ovarian cancer. Identifiers: MedGen CN221562.
Familial cancer of breast. Also called: hereditary breast carcinoma; Hereditary breast cancer; BREAST CANCER, FAMILIAL. Identifiers: Orphanet 227535, MedGen C0346153, MONDO:0016419, OMIM 114480. Disease mechanism: loss of function.
Malignant tumor of breast. Also called: Malignant breast neoplasm; Cancer breast. Identifiers: MedGen C0006142, MONDO:0007254. Disease mechanism: loss of function.

Allele frequency attached by ClinVar (database versions not stated): gnomAD exomes 0.00018 and 0.00056; ExAC 0.00078; gnomAD 0.00212 and 0.00218; ESP Exome Variant Server 0.00223; TOPMed 0.00238; 1000 Genomes Project 0.00359; 1000 Genomes Project 30x 0.00484.
gnomAD v4.1: 596 of 1,595,176 alleles (0.037%); highest among the groups gnomAD compares: African/African-American, 0.68%; 3 homozygotes.

Submissions (19):

Labcorp Genetics (formerly Invitae), Labcorp
Classification: Benign for Familial cancer of breast. Last evaluated: 2026-02-02. Review status: criteria provided, single submitter. Criteria: Invitae Variant Classification Sherloc (09022015). Collection method: clinical testing. Allele origin: germline.

Dasa
Classification: Likely benign. Last evaluated: 2025-11-22. Review status: criteria provided, single submitter. Criteria: DASA Assertion Criteria. Collection method: clinical testing. Allele origin: germline.
Comment: NM_000465.4(BARD1):c.620A>G (p.Lys207Arg) is a missense variant that results in the substitution of lysine with arginine. Population frequency is inconsistent with a disease-causing role for this variant, and observations in unaffected individuals support a benign interpretation. Computational prediction algorithms are consistent with a benign effect. Therefore, based on the currently available evidence, this variant is classified as likely benign.

ARUP Laboratories, Molecular Genetics and Genomics, ARUP Laboratories
Classification: Likely benign for Familial cancer of breast. Last evaluated: 2025-05-22. Review status: criteria provided, single submitter. Criteria: ARUP Molecular Germline Variant Investigation Process 2024. Collection method: clinical testing. Allele origin: germline.

Center for Genomic Medicine, Rigshospitalet, Copenhagen University Hospital
Classification: Likely benign. Last evaluated: 2025-03-04. Review status: criteria provided, single submitter. Criteria: ACMG Guidelines, 2015. Collection method: clinical testing. Allele origin: germline.

Blueprint Genetics
Classification: Likely benign. Last evaluated: 2024-11-17. Review status: criteria provided, single submitter. Criteria: ACMG Guidelines, 2015. Collection method: clinical testing. Allele origin: germline.

KCCC/NGS Laboratory, Kuwait Cancer Control Center
Classification: Benign for Familial cancer of breast. Last evaluated: 2023-07-07. Review status: criteria provided, single submitter. Criteria: ACMG Guidelines, 2015. Collection method: clinical testing. Allele origin: germline. Affected: yes.

Myriad Genetics, Inc.
Classification: Likely benign for Familial cancer of breast. Last evaluated: 2023-02-24. Review status: criteria provided, single submitter. Criteria: Myriad Autosomal Dominant, Autosomal Recessive and X-Linked Classification Criteria (2023). Collection method: clinical testing. Allele origin: unknown.
Comment: This variant is considered likely benign. This variant is strongly associated with less severe personal and family histories of cancer, typical for individuals without pathogenic variants in this gene [PMID: 25085752].

CHEO Genetics Diagnostic Laboratory, Children's Hospital of Eastern Ontario
Classification: Likely benign for Breast and/or ovarian cancer. Last evaluated: 2022-12-05. Review status: criteria provided, single submitter. Criteria: ACMG Guidelines, 2015. Collection method: clinical testing. Allele origin: germline.

Quest Diagnostics Nichols Institute San Juan Capistrano
Classification: Benign. Last evaluated: 2022-08-04. Review status: criteria provided, single submitter. Criteria: Quest Diagnostics criteria. Collection method: clinical testing. Allele origin: unknown.

Fulgent Genetics
Classification: Likely benign for Familial cancer of breast. Last evaluated: 2022-01-04. Review status: criteria provided, single submitter. Criteria: ACMG Guidelines, 2015. Collection method: clinical testing. Allele origin: unknown.

Sema4
Classification: Likely benign for Hereditary cancer-predisposing syndrome. Last evaluated: 2020-12-03. Review status: criteria provided, single submitter. Criteria: Sema4 Curation Guidelines. Collection method: curation. Allele origin: germline.

GeneDx
Classification: Likely benign. Last evaluated: 2020-08-31. Review status: criteria provided, single submitter. Criteria: GeneDx Variant Classification Process June 2021. Collection method: clinical testing. Allele origin: germline. Affected: yes.
Comment: This variant is associated with the following publications: (PMID: 30309722, 27742771, 28873162, 24123366, 26315354, 26976419, 25980754)

Women's Health and Genetics/Laboratory Corporation of America, LabCorp
Classification: Benign. Last evaluated: 2019-02-19. Review status: criteria provided, single submitter. Criteria: LabCorp Variant Classification Summary - May 2015. Collection method: clinical testing. Allele origin: germline.
Comment: Variant summary: The variant, BARD1 c.620A>G (p.Lys207Arg) results in a conservative amino acid change in the encoded protein sequence. Five of five in-silico tools predict a benign effect of the variant on protein function. The variant allele was found at a frequency of 0.00075 in 263154 control chromosomes predominantly within the African subpopulation, at a frequency of 0.0072, in the gnomAD database, including 1 homozygote. The observed variant frequency within African control individuals in the gnomAD database is approximately 30 fold of the estimated maximal expected allele frequency for a pathogenic variant in BARD1 causing Hereditary Breast and Ovarian Cancer phenotype (0.00025), strongly suggesting that the variant is a benign polymorphism found primarily in populations of African origin. In addition, the variant was also reported in 47/2559 African American women (i.e. with a frequency of 0.018), who were older than 70 years of age, and never had cancer (in the FLOSSIES database); further supporting the benign nature of the variant. The variant, c.620A>G has been reported in the literature in an individual affected with ovarian cancer (Ramus 2015) and in three African American individuals affected with breast cancer (Tung 2015), however without evidence for causality. To our knowledge, no experimental evidence demonstrating an impact on protein function has been reported. Eight clinical diagnostic laboratories have submitted clinical-significance assessments for this variant to ClinVar after 2014 without evidence for independent evaluation and classified the variant as benign (1x)/likely benign (7x). Based on the evidence outlined above, the variant was classified as benign.

Ambry Genetics
Classification: Likely benign for Hereditary cancer-predisposing syndrome. Last evaluated: 2018-06-26. Review status: criteria provided, single submitter. Criteria: Ambry Variant Classification Scheme 2023. Collection method: clinical testing. Allele origin: germline.

Eurofins Ntd Llc (ga)
Classification: Likely benign. Last evaluated: 2018-02-23. Review status: criteria provided, single submitter. Criteria: EGL ClinVar v180209 classification definitions. Collection method: clinical testing. Allele origin: germline. Observed: 1 variant allele, 1 heterozygote.

PreventionGenetics, part of Exact Sciences
Classification: Likely benign. Last evaluated: 2017-03-09. Review status: criteria provided, single submitter. Criteria: ACMG Guidelines, 2015. Collection method: clinical testing. Allele origin: germline.

Color Diagnostics, LLC DBA Color Health
Classification: Likely benign for Hereditary cancer-predisposing syndrome. Last evaluated: 2015-07-28. Review status: criteria provided, single submitter. Criteria: ACMG Guidelines, 2015. Collection method: clinical testing. Allele origin: germline.

Counsyl
Classification: Likely benign for Familial cancer of breast. Last evaluated: 2016-08-29. Review status: no assertion criteria provided. Collection method: clinical testing. Allele origin: unknown. Not counted in ClinVar's aggregate classification.

Department of Pathology and Laboratory Medicine, Sinai Health System
Classification: Likely benign for Malignant tumor of breast. Review status: no assertion criteria provided. Collection method: clinical testing. Allele origin: unknown. Affected: yes. Study: The Canadian Open Genetics Repository (COGR). Not counted in ClinVar's aggregate classification.
Comment: The BARD1 p.Lys207Arg variant was identified in 3 of 10244 proband chromosomes (frequency: 0.0003) from individuals or families with stages I to III breast and or ovarian cancer, and Lynch Syndrome (Yurgelun_2015_25980754, Tung_2016_26976419, Ramus_2015_26315354). The variant was also identified in dbSNP (ID: rs34969857) as â€šÃ„ÃºWith other alleleâ€šÃ„Ã¹, and in ClinVar and Clinvitae (7x as benign by Invitae, likely benign by GeneDx, Ambry Genetics, Counsyl, Quest Diagnostics, Color Genomics, Laboratory Corporation of America). The variant was not identified in Cosmic, MutDB or the Zhejiang University Database. The variant was identified in control databases in 187 of 257912 chromosomes (1 homozygous) at a frequency of 0.0007 (Genome Aggregation Database Feb 27, 2017). It was observed in the following populations: African in 166 of 23650 chromosomes (freq: 0.007), Other in 1 of 5942 chromosomes (freq: 0.00017), Latino in 15 of 29648 chromosomes (freq: 0.0005), European Non-Finnish in 5 of 120972 chromosomes (freq: 0.00004); it was not observed in the Ashkenazi Jewish, East Asian, European Finnish, or South Asian populations. The p.Lys207Arg residue is not conserved in mammals and computational analyses (PolyPhen-2, SIFT, AlignGVGD, BLOSUM, MutationTaster) do not suggest a high likelihood of impact to the protein; however, this information is not predictive enough to rule out pathogenicity. The variant occurs outside of the splicing consensus sequence and in silico or computational prediction software programs (SpliceSiteFinder, MaxEntScan, NNSPLICE, GeneSplicer, HumanSpliceFinder) do not predict a difference in splicing. In summary, based on the above information the clinical significance of this variant cannot be determined with certainty at this time although we would lean towards a more benign role for this variant. This variant is classified as likely benign.

Literature cited by the submitters: PubMed 25085752 (cited by Myriad Genetics, Inc.); PubMed 25980754 (cited by 3 submitters); PubMed 26315354 (cited by 3 submitters); PubMed 33471991 (cited by Quest Diagnostics Nichols Institute San Juan Capistrano); PubMed 26976419 (cited by Quest Diagnostics Nichols Institute San Juan Capistrano and Women's Health and Genetics/Laboratory Corporation of America, LabCorp); PubMed 31371347 (cited by Quest Diagnostics Nichols Institute San Juan Capistrano); PubMed 25186627 (cited by 3 submitters); PubMed 24123366 (cited by Quest Diagnostics Nichols Institute San Juan Capistrano and Women's Health and Genetics/Laboratory Corporation of America, LabCorp); PubMed 27742771 (cited by Women's Health and Genetics/Laboratory Corporation of America, LabCorp).